The following is an entry in ClinVar:

NM_003719.5(PDE8B):c.535A>C (p.Ile179Leu)

Gene: PDE8B (phosphodiesterase 8B; plus strand). Cytogenetic location: 5q13.3.
Variant type: single nucleotide variant.
Coding change: c.535A>C on transcript NM_003719.5 (MANE Select); coding-DNA position 535, A replaced by C.
Protein change: p.Ile179Leu; replaces isoleucine 179 with leucine.
Molecular consequence: missense variant.
Genome position (GRCh38, 1-based): chr5:77,325,674, A>C. VCF-style: chr5-77325674-A-C. GRCh37 (hg19) VCF-style: chr5-76621499-A-C.
Other names: c.232A>C, p.Ile78Leu (NM_001376062.1, NM_001376070.1, NM_001376072.1 and 1 more transcripts); c.535A>C, p.Ile179Leu (NM_001376063.1, NM_001376064.1, NM_001029851.4 and 2 more transcripts); c.532A>C, p.Ile178Leu (NM_001376065.1, NM_001349748.3, NM_001349751.3); c.172A>C, p.Ile58Leu (NM_001376066.1, NM_001376074.1); c.163A>C, p.Ile55Leu (NM_001376067.1, NM_001376068.1, NM_001349753.2 and 3 more transcripts); c.292A>C, p.Ile98Leu (NM_001376069.1); c.475A>C, p.Ile159Leu (NM_001029853.4); c.598A>C, p.Ile200Leu (NM_001349749.3); and 2 more; short protein forms I178L, I179L, I58L, I78L, I98L, I99L, I77L, I200L.
Identifiers: ClinVar variation 2075192 (VCV002075192.4), dbSNP rs2530789575, ClinGen allele CA360176386.

ClinVar aggregate classification (germline): Uncertain significance (1 of 4 stars; one submission).

Submission:

Labcorp Genetics (formerly Invitae), Labcorp
Classification: Uncertain significance. Last evaluated: 2022-01-05. Review status: criteria provided, single submitter. Criteria: Invitae Variant Classification Sherloc (09022015). Collection method: clinical testing. Allele origin: germline.
Comment: In summary, the available evidence is currently insufficient to determine the role of this variant in disease. Therefore, it has been classified as a Variant of Uncertain Significance. Algorithms developed to predict the effect of missense changes on protein structure and function (SIFT, PolyPhen-2, Align-GVGD) all suggest that this variant is likely to be tolerated. This variant has not been reported in the literature in individuals affected with PDE8B-related conditions. This variant is not present in population databases (gnomAD no frequency). This sequence change replaces isoleucine, which is neutral and non-polar, with leucine, which is neutral and non-polar, at codon 179 of the PDE8B protein (p.Ile179Leu).